The following is an entry in ClinVar:

ClinVar aggregate classification (germline): Pathogenic (1 of 4 stars; one submission).

Conditions:
Intellectual developmental disorder, autosomal dominant 1. Also called: MBD5 Haploinsufficiency; Intellectual disability, autosomal dominant 1. Identifiers: Orphanet 228402, MedGen C1969562, MONDO:0007974, OMIM 156200.

Submission:

Labcorp Genetics (formerly Invitae), Labcorp
Classification: Pathogenic for Intellectual developmental disorder, autosomal dominant 1. Last evaluated: 2024-02-05. Review status: criteria provided, single submitter. Criteria: Invitae Variant Classification Sherloc (09022015). Collection method: clinical testing. Allele origin: germline.
Comment: This sequence change creates a premature translational stop signal (p.Pro1042Hisfs*24) in the MBD5 gene. It is expected to result in an absent or disrupted protein product. Loss-of-function variants in MBD5 are known to be pathogenic (PMID: 23422940, 23587880). This variant is not present in population databases (gnomAD no frequency). This variant has not been reported in the literature in individuals affected with MBD5-related conditions. For these reasons, this variant has been classified as Pathogenic.

Literature cited by the submitters: PubMed 23422940; PubMed 23587880.

NM_001378120.1(MBD5):c.3822_3840del (p.Pro1275fs)

Gene: MBD5 (methyl-CpG binding domain protein 5; plus strand). Cytogenetic location: 2q23.1.
Variant type: Deletion.
Coding change: c.3822_3840del on transcript NM_001378120.1 (MANE Select); coding-DNA positions 3822 to 3840, 19 bases deleted (TCCTGAGAATCCAAACACT).
Protein change: p.Pro1275fs; shifts the reading frame from proline 1275.
Molecular consequence: frameshift variant.
Genome position (GRCh38, 1-based): chr2:148,489,454-148,489,472, TCCTGAGAATCCAAACACT deleted; deleting any 19 consecutive bases within chr2:148,489,450-148,489,472 gives the same sequence; the c. name uses the placement nearest the transcript's 3' end. VCF-style (leftmost placement, unchanged base first): chr2-148489449-GCACTTCCTGAGAATCCAAA-G. GRCh37 (hg19) VCF-style: chr2-149247018-GCACTTCCTGAGAATCCAAA-G.
Other names: c.3123_3141del, p.Pro1042fs (NM_018328.5); short protein forms P1042fs, P1275fs.
Identifiers: ClinVar variation 3638938 (VCV003638938.2).